The following is an entry in ClinVar:

ClinVar aggregate classification (germline): Uncertain significance (1 of 4 stars; one submission).

Conditions:
Inborn genetic diseases. Identifiers: MedGen C0950123, MeSH D030342.

Submission:

Ambry Genetics
Classification: Uncertain significance for Inborn genetic diseases. Last evaluated: 2026-03-19. Review status: criteria provided, single submitter. Criteria: Ambry Variant Classification Scheme 2023. Collection method: clinical testing. Allele origin: germline.
Comment: The c.170G>A (p.R57Q) alteration is located in exon 4 (coding exon 2) of the KDM4B gene. This alteration results from a G to A substitution at nucleotide position 170, causing the arginine (R) at amino acid position 57 to be replaced by a glutamine (Q). Based on data from gnomAD, the A allele has an overall frequency of <0.001% (1/250248) total alleles studied. The highest observed frequency was 0.001% (1/112860) of European (non-Finnish) alleles. Based on insufficient or conflicting evidence, the clinical significance of this alteration remains unclear.

NM_015015.3(KDM4B):c.170G>A (p.Arg57Gln)

Gene: KDM4B (lysine demethylase 4B; plus strand). Cytogenetic location: 19p13.3.
Variant type: single nucleotide variant.
Coding change: c.170G>A on transcript NM_015015.3 (MANE Select); coding-DNA position 170, G replaced by A.
Protein change: p.Arg57Gln; replaces arginine 57 with glutamine.
Molecular consequence: missense variant.
Genome position (GRCh38, 1-based): chr19:5,039,864, G>A. VCF-style: chr19-5039864-G-A. GRCh37 (hg19) VCF-style: chr19-5039875-G-A.
Other names: c.170G>A, p.Arg57Gln (NM_001370093.1, NM_001370094.1, NM_001411148.1); short protein forms R57Q.
Identifiers: ClinVar variation 4858770 (VCV004858770.1).